The following is an entry in ClinVar:

NM_001369.3(DNAH5):c.5705A>G (p.Asp1902Gly)

Gene: DNAH5 (dynein axonemal heavy chain 5; minus strand). Cytogenetic location: 5p15.2.
Variant type: single nucleotide variant.
Coding change: c.5705A>G on transcript NM_001369.3 (MANE Select); coding-DNA position 5705, A replaced by G.
Protein change: p.Asp1902Gly; replaces aspartic acid 1902 with glycine.
Molecular consequence: missense variant.
Genome position (GRCh38, 1-based): chr5:13,840,910, T>C on the plus strand (A>G on the coding strand, the complement: DNAH5 is on the minus strand). VCF-style: chr5-13840910-T-C. GRCh37 (hg19) VCF-style: chr5-13841019-T-C.
Other names: short protein forms D1902G.
Identifiers: ClinVar variation 862797 (VCV000862797.12), dbSNP rs776748041, ClinGen allele CA3203602.
Genomic context (GRCh38, chr5:13,840,910, plus strand): 5'-GATAGTGTCTAGAATTTGTTTTTCTCTACATGCCACAGCATTTATAAAGAATTTACCAGG[T>C]CATCAAAGATATCCCTTTGGTGCACATGAATAGTAATCAGAGTCTCGTATTTCACTCGTT-3'
Protein context (NP_001360.1, residues 1892-1912): IHVHQRDIFD[Asp1902Gly]LCHMHIKSPM

ClinVar aggregate classification (germline): Uncertain significance. Review status: criteria provided, multiple submitters, no conflicts (2 of 4 stars). 3 submissions from 3 submitters: Uncertain significance (2). 1 of the submissions does not count toward it. Last evaluated 2024-02-25.

Conditions:
Primary ciliary dyskinesia. Also called: Ciliary dyskinesia. Identifiers: Orphanet 244, MedGen C0008780, MONDO:0016575, HP:0012265.

Allele frequency attached by ClinVar (database versions not stated): TOPMed below 0.00001; gnomAD 0.00001; gnomAD exomes 0.00001; ExAC 0.00002.
gnomAD v4.1: 13 of 1,612,058 alleles (0.00081%); highest among the groups gnomAD compares: Admixed American, 0.0017%; no homozygotes.

Submissions (3):

Ambry Genetics
Classification: Uncertain significance for Primary ciliary dyskinesia. Last evaluated: 2024-02-25. Review status: criteria provided, single submitter. Criteria: Ambry Variant Classification Scheme 2023. Collection method: clinical testing. Allele origin: germline.
Comment: The p.D1902G variant (also known as c.5705A>G), located in coding exon 34 of the DNAH5 gene, results from an A to G substitution at nucleotide position 5705. The aspartic acid at codon 1902 is replaced by glycine, an amino acid with similar properties. This amino acid position is not well conserved in available vertebrate species. In addition, this alteration is predicted to be tolerated by in silico analysis. Since supporting evidence is limited at this time, the clinical significance of this alteration remains unclear.

Labcorp Genetics (formerly Invitae), Labcorp
Classification: Uncertain significance for Primary ciliary dyskinesia. Last evaluated: 2021-09-02. Review status: criteria provided, single submitter. Criteria: Invitae Variant Classification Sherloc (09022015). Collection method: clinical testing. Allele origin: germline.
Comment: This sequence change replaces aspartic acid with glycine at codon 1902 of the DNAH5 protein (p.Asp1902Gly). The aspartic acid residue is moderately conserved and there is a moderate physicochemical difference between aspartic acid and glycine. This variant is present in population databases (rs776748041, ExAC 0.003%). This variant has not been reported in the literature in individuals affected with DNAH5-related conditions. Algorithms developed to predict the effect of missense changes on protein structure and function output the following: SIFT: "Tolerated"; PolyPhen-2: "Possibly Damaging"; Align-GVGD: "Class C0". The glycine amino acid residue is found in multiple mammalian species, which suggests that this missense change does not adversely affect protein function. In summary, the available evidence is currently insufficient to determine the role of this variant in disease. Therefore, it has been classified as a Variant of Uncertain Significance.

Natera, Inc.
Classification: Uncertain significance for Primary ciliary dyskinesia. Last evaluated: 2020-10-15. Review status: no assertion criteria provided. Collection method: clinical testing. Allele origin: germline. Not counted in ClinVar's aggregate classification.